The following is an entry in ClinVar:

NM_001298.3(CNGA3):c.1443dup (p.Ile482fs)

Gene: CNGA3 (cyclic nucleotide gated channel subunit alpha 3; plus strand). Cytogenetic location: 2q11.2.
Variant type: Duplication.
Coding change: c.1443dup on transcript NM_001298.3 (MANE Select); coding-DNA position 1443, one base duplicated (C; older notation c.1443dupC).
Protein change: p.Ile482fs; shifts the reading frame from isoleucine 482.
Molecular consequence: frameshift variant.
Genome position (GRCh38, 1-based): chr2:98,396,613, C duplicated. VCF-style (leftmost placement, unchanged base first): chr2-98396612-G-GC. GRCh37 (hg19) VCF-style: chr2-99013075-G-GC.
Other names: c.1389dup, p.Ile464fs (NM_001079878.2); short protein forms I464fs, I482fs.
Identifiers: ClinVar variation 2203121 (VCV002203121.5), dbSNP rs778373042, ClinGen allele CA1794012.

ClinVar aggregate classification (germline): Pathogenic. Review status: criteria provided, multiple submitters, no conflicts (2 of 4 stars). 2 submissions from 2 submitters: Pathogenic (2). Last evaluated 2025-02-04.

Conditions:
Achromatopsia 2 (ACHM2). Also called: COLORBLINDNESS, TOTAL; ROD MONOCHROMACY 2; ROD MONOCHROMATISM 2. Identifiers: Orphanet 49382, MedGen C1857618, MONDO:0009003, OMIM 216900.

Allele frequency attached by ClinVar (database versions not stated): gnomAD exomes below 0.00001; ExAC 0.00001.

Submissions (2):

Labcorp Genetics (formerly Invitae), Labcorp
Classification: Pathogenic. Last evaluated: 2025-02-04. Review status: criteria provided, single submitter. Criteria: Invitae Variant Classification Sherloc (09022015). Collection method: clinical testing. Allele origin: germline.
Comment: This sequence change creates a premature translational stop signal (p.Ile482Hisfs*6) in the CNGA3 gene. While this is not anticipated to result in nonsense mediated decay, it is expected to disrupt the last 213 amino acid(s) of the CNGA3 protein. This variant is present in population databases (rs778373042, gnomAD 0.007%). This premature translational stop signal has been observed in individuals with achromatopsia (PMID: 14757870, 28159970). ClinVar contains an entry for this variant (Variation ID: 2203121). This variant disrupts a region of the CNGA3 protein in which other variant(s) (p.Arg661His) have been determined to be pathogenic (PMID: 32913385; internal data). This suggests that this is a clinically significant region of the protein, and that variants that disrupt it are likely to be disease-causing. For these reasons, this variant has been classified as Pathogenic.

Institute of Medical Genetics and Applied Genomics, University Hospital Tübingen
Classification: Pathogenic for Achromatopsia 2. Last evaluated: 2023-09-27. Review status: criteria provided, single submitter. Criteria: ACMG Guidelines, 2015. Collection method: clinical testing. Allele origin: germline. Inheritance: Autosomal recessive inheritance. Affected: yes.

Literature cited by the submitters: PubMed 14757870 (cited by Labcorp Genetics (formerly Invitae), Labcorp); PubMed 28159970 (cited by Labcorp Genetics (formerly Invitae), Labcorp); PubMed 32913385 (cited by Labcorp Genetics (formerly Invitae), Labcorp).